The following is an entry in ClinVar:

ClinVar aggregate classification (germline): Uncertain significance (1 of 4 stars; one submission).

Submission:

CeGaT Center for Human Genetics Tuebingen
Classification: Uncertain significance. Last evaluated: 2024-07-01. Review status: criteria provided, single submitter. Criteria: CeGaT Center For Human Genetics Tuebingen Variant Classification Criteria Version 2. Collection method: clinical testing. Allele origin: germline. Affected: yes. Observed: 1 variant allele.
Comment: CPOX: PM2, BP4

NM_000097.7(CPOX):c.1277+8G>A

Gene: CPOX (coproporphyrinogen oxidase; minus strand). Cytogenetic location: 3q11.2.
Variant type: single nucleotide variant.
Coding change: c.1277+8G>A on transcript NM_000097.7 (MANE Select); 8 bases into the intron after coding-DNA position 1277, G replaced by A.
Molecular consequence: intron variant.
Genome position (GRCh38, 1-based): chr3:98,581,399, C>T on the plus strand (G>A on the coding strand, the complement: CPOX is on the minus strand). VCF-style: chr3-98581399-C-T. GRCh37 (hg19) VCF-style: chr3-98300243-C-T.
Identifiers: ClinVar variation 3257376 (VCV003257376.17).
Genomic context (GRCh38, chr3:98,581,399, plus strand): 5'-TTCATATTTTGTGGGTGTTTGGGAATTGGGAGTGTAGGGATAACTACTAAAATGAGTTAT[C>T]TCCTTACCGGGCAGTTAGAGGTAAAGACATCAAGATACTTTCAATTCTGGATCCTGGAGT-3'